The following is an entry in ClinVar:

ClinVar aggregate classification (germline): Uncertain significance (1 of 4 stars; one submission).

Conditions:
Hereditary nonpolyposis colorectal neoplasms. Identifiers: MedGen C0009405, MeSH D003123.

Submission:

Labcorp Genetics (formerly Invitae), Labcorp
Classification: Uncertain significance for Hereditary nonpolyposis colorectal neoplasms. Last evaluated: 2023-04-05. Review status: criteria provided, single submitter. Criteria: Invitae Variant Classification Sherloc (09022015). Collection method: clinical testing. Allele origin: germline.
Comment: This sequence change replaces methionine, which is neutral and non-polar, with threonine, which is neutral and polar, at codon 100 of the MSH6 protein (p.Met100Thr). This variant is not present in population databases (gnomAD no frequency). In summary, the available evidence is currently insufficient to determine the role of this variant in disease. Therefore, it has been classified as a Variant of Uncertain Significance. Advanced modeling of protein sequence and biophysical properties (such as structural, functional, and spatial information, amino acid conservation, physicochemical variation, residue mobility, and thermodynamic stability) performed at Invitae indicates that this missense variant is not expected to disrupt MSH6 protein function. This variant has not been reported in the literature in individuals affected with MSH6-related conditions.

NM_000179.3(MSH6):c.299T>C (p.Met100Thr)

Gene: MSH6 (mutS homolog 6; plus strand). Cytogenetic location: 2p16.3.
Variant type: single nucleotide variant.
Coding change: c.299T>C on transcript NM_000179.3 (MANE Select); coding-DNA position 299, T replaced by C.
Protein change: p.Met100Thr; replaces methionine 100 with threonine.
Molecular consequence: missense variant. On other transcripts: 5 prime UTR variant (8), initiator codon variant (13), non-coding transcript variant (5), intron variant (5).
Genome position (GRCh38, 1-based): chr2:47,790,965, T>C. VCF-style: chr2-47790965-T-C. GRCh37 (hg19) VCF-style: chr2-48018104-T-C.
Other names: c.-438T>C (NM_001281493.2, NM_001406811.1, NM_001406823.1 and 1 more transcripts); c.-604T>C (NM_001281494.2); c.395T>C, p.Met132Thr (NM_001406795.1, NM_001406802.1); c.299T>C, p.Met100Thr (NM_001406796.1, NM_001406798.1, NM_001406800.1 and 6 more transcripts); c.2T>C, p.Met1Thr (NM_001406797.1, NM_001406801.1, NM_001406805.1 and 10 more transcripts); c.221T>C, p.Met74Thr (NM_001406804.1); c.-630T>C (NM_001406807.1); c.-285T>C (NM_001406812.1); and 6 more; short protein forms M132T, M74T, M100T, M44T, M1T.
Identifiers: ClinVar variation 2852158 (VCV002852158.3), dbSNP rs2530432750, ClinGen allele CA346736712.
Genomic context (GRCh38, chr2:47,790,965, plus strand): 5'-ATGTATTTCCTTTTGGCAACAGTTGTGACTTCTCACCAGGAGATTTGGTTTGGGCCAAGA[T>C]GGAGGGTTACCCCTGGTGGCCTTGTCTGGTTTACAACCACCCCTTTGATGGAACATTCAT-3'
Protein context (NP_000170.1, residues 90-110): FSPGDLVWAK[Met100Thr]EGYPWWPCLV